The following is an entry in ClinVar:

NM_000824.5(GLRB):c.1365CAA[1] (p.Asn456del)

Gene: GLRB (glycine receptor beta; plus strand). Cytogenetic location: 4q32.1.
Variant type: Microsatellite.
Coding change: c.1365CAA[1] on transcript NM_000824.5 (MANE Select); one copy of the 3-base unit CAA starting at c.1365; the reference has two copies in a row; one copy, 3 bases deleted; also written c.1368_1370del.
Protein change: p.Asn456del; deletes asparagine 456.
Molecular consequence: inframe deletion. On other transcripts: 3 prime UTR variant (1).
Genome position (GRCh38, 1-based): chr4:157,170,602-157,170,604, CAA deleted; deleting any 3 consecutive bases within chr4:157,170,597-157,170,604 gives the same sequence; the position shown is the placement nearest the transcript's 3' end. VCF-style (leftmost placement, unchanged base first): chr4-157170596-GAAC-G. GRCh37 (hg19) VCF-style: chr4-158091748-GAAC-G.
Other names: c.1365CAA[1], p.Asn456del (NM_001166060.2); c.*160CAA[1] (NM_001166061.2); c.1368_1370del (NM_000824.4); short protein forms N456del.
Identifiers: ClinVar variation 347928 (VCV000347928.9), dbSNP rs373895476, ClinGen allele CA3120005.

ClinVar aggregate classification (germline): Uncertain significance (1 of 4 stars; one submission).

Conditions:
Hyperekplexia 2 (HKPX2). Identifiers: Orphanet 3197, MedGen C3553291, MONDO:0013828, OMIM 614619.

Submission:

Labcorp Genetics (formerly Invitae), Labcorp
Classification: Uncertain significance for Hyperekplexia 2. Last evaluated: 2022-10-17. Review status: criteria provided, single submitter. Criteria: Invitae Variant Classification Sherloc (09022015). Collection method: clinical testing. Allele origin: germline.
Comment: This variant, c.1368_1370del, results in the deletion of 1 amino acid(s) of the GLRB protein (p.Asn456del), but otherwise preserves the integrity of the reading frame. This variant is present in population databases (rs373895476, gnomAD 0.06%). This variant has not been reported in the literature in individuals affected with GLRB-related conditions. ClinVar contains an entry for this variant (Variation ID: 347928). Experimental studies and prediction algorithms are not available or were not evaluated, and the functional significance of this variant is currently unknown. In summary, the available evidence is currently insufficient to determine the role of this variant in disease. Therefore, it has been classified as a Variant of Uncertain Significance.